The following is an entry in ClinVar:

ClinVar aggregate classification (germline): Uncertain significance (1 of 4 stars; one submission).

Conditions:
Capillary malformation-arteriovenous malformation syndrome. Also called: Capillary malformation-arteriovenous malformation. Identifiers: Orphanet 137667, MedGen C1842180, MONDO:0012016.

Submission:

Labcorp Genetics (formerly Invitae), Labcorp
Classification: Uncertain significance for Capillary malformation-arteriovenous malformation syndrome. Last evaluated: 2024-07-02. Review status: criteria provided, single submitter. Criteria: Invitae Variant Classification Sherloc (09022015). Collection method: clinical testing. Allele origin: germline.
Comment: This sequence change replaces isoleucine, which is neutral and non-polar, with methionine, which is neutral and non-polar, at codon 851 of the RASA1 protein (p.Ile851Met). This variant is not present in population databases (gnomAD no frequency). This variant has not been reported in the literature in individuals affected with RASA1-related conditions. An algorithm developed to predict the effect of missense changes on protein structure and function (PolyPhen-2) suggests that this variant is likely to be tolerated. In summary, the available evidence is currently insufficient to determine the role of this variant in disease. Therefore, it has been classified as a Variant of Uncertain Significance.

NM_002890.3(RASA1):c.2553A>G (p.Ile851Met)

Genes: CCNH (cyclin H; minus strand), RASA1 (RAS p21 protein activator 1; plus strand). Cytogenetic location: 5q14.3.
Variant type: single nucleotide variant.
Coding change: c.2553A>G on transcript NM_002890.3 (MANE Select); coding-DNA position 2553, A replaced by G.
Protein change: p.Ile851Met; replaces isoleucine 851 with methionine.
Molecular consequence: missense variant. On other transcripts: intron variant (1).
Genome position (GRCh38, 1-based): chr5:87,379,800, A>G. VCF-style: chr5-87379800-A-G. GRCh37 (hg19) VCF-style: chr5-86675617-A-G.
Other names: c.2022A>G, p.Ile674Met (NM_022650.3); c.933+15244T>C (NM_001364075.2); short protein forms I674M, I851M.
Identifiers: ClinVar variation 3609766 (VCV003609766.2).